The following is an entry in ClinVar:

ClinVar aggregate classification (germline): Pathogenic (1 of 4 stars; one submission).

Conditions:
Familial meningioma. Also called: Meningioma, familial, susceptibility to. Identifiers: Orphanet 263662, MedGen C3551915, MONDO:0011789, OMIM 607174.

Submission:

Labcorp Genetics (formerly Invitae), Labcorp
Classification: Pathogenic for Familial meningioma. Last evaluated: 2022-04-21. Review status: criteria provided, single submitter. Criteria: Invitae Variant Classification Sherloc (09022015). Collection method: clinical testing. Allele origin: germline.
Comment: For these reasons, this variant has been classified as Pathogenic. A gross deletion of the genomic region encompassing the full coding sequence of the SMARCE1 gene has been identified. Loss-of-function variants in SMARCE1 are known to be pathogenic (PMID: 23377182). The boundaries of this event are unknown as they extend beyond the assayed region for this gene and therefore may encompass additional genes. This variant has not been reported in the literature in individuals affected with SMARCE1-related conditions.

Literature cited by the submitters: PubMed 23377182.

NC_000017.10:g.(?_38785037)_(38804103_?)del

Gene: SMARCE1 (SWI/SNF related BAF chromatin remodeling complex subunit E1; minus strand). Cytogenetic location: 17q21.2.
Variant type: Deletion.
Identifiers: ClinVar variation 1076751 (VCV001076751.3).